The following is an entry in ClinVar:

ClinVar aggregate classification (germline): Uncertain significance (1 of 4 stars; one submission).

Conditions:
Hypertrophic cardiomyopathy 3. Also called: TPM1-Related Familial Hypertrophic Cardiomyopathy. Identifiers: MedGen C1861863, MONDO:0007267, OMIM 115196.
Dilated cardiomyopathy 1Y (CMD1Y). Identifiers: Orphanet 154, Orphanet 54260, MedGen C2678476, MONDO:0012744, OMIM 611878.

Submission:

Clinical Genomics Laboratory, Washington University in St. Louis
Classification: Uncertain significance for Hypertrophic cardiomyopathy 3; Dilated cardiomyopathy 1Y. Last evaluated: 2025-12-17. Review status: criteria provided, single submitter. Criteria: ACMG Guidelines, 2015. Collection method: clinical testing. Allele origin: germline.
Comment: The TPM1 c.383A>G (p.Lys128Arg) variant, to our knowledge, has not been reported in the medical literature. This variant is absent from the general population (gnomAD v.4.1.0), indicating it is not a common variant. Computational predictors indicate that the variant is damaging, evidence that correlates with an impact on TPM1 function. Due to limited information, and based on ACMG/AMP guidelines for variant interpretation (Richards S et al., PMID: 25741868), the clinical significance of this variant is uncertain at this time.

NM_001018005.2(TPM1):c.383A>G (p.Lys128Arg)

Gene: TPM1 (tropomyosin 1; plus strand). Cytogenetic location: 15q22.2.
Variant type: single nucleotide variant.
Coding change: c.383A>G on transcript NM_001018005.2 (MANE Select); coding-DNA position 383, A replaced by G.
Protein change: p.Lys128Arg; replaces lysine 128 with arginine.
Molecular consequence: missense variant. On other transcripts: non-coding transcript variant (17).
Genome position (GRCh38, 1-based): chr15:63,059,571, A>G. VCF-style: chr15-63059571-A-G. GRCh37 (hg19) VCF-style: chr15-63351770-A-G.
Other names: c.383A>G, p.Lys128Arg (NM_000366.6, NM_001018004.2, NM_001018006.2 and 20 more transcripts); c.275A>G, p.Lys92Arg (NM_001018008.2, NM_001301289.2, NM_001330344.2 and 9 more transcripts); c.509A>G, p.Lys170Arg (NM_001365778.1, NM_001407322.1, NM_001407323.1 and 1 more transcripts); short protein forms K128R, K170R, K92R.
Identifiers: ClinVar variation 4879554 (VCV004879554.1).
Genomic context (GRCh38, chr15:63,059,571, plus strand): 5'-TTGGGAAGTTCAGCTCTAAATCTTGGGTTTTCTTGCTTGTCTTTCTTTTCAGAGGCATGA[A>G]AGTCATTGAGAGTCGAGCCCAAAAAGATGAAGAAAAAATGGAAATTCAGGAGATCCAACT-3'
Protein context (NP_001018005.1, residues 118-138): KAADESERGM[Lys128Arg]VIESRAQKDE